The following is an entry in ClinVar:

NM_001035.3(RYR2):c.6537T>G (p.Leu2179=)

Gene: RYR2 (ryanodine receptor 2; plus strand). Cytogenetic location: 1q43.
Variant type: single nucleotide variant.
Coding change: c.6537T>G on transcript NM_001035.3 (MANE Select); coding-DNA position 6537, T replaced by G.
Protein change: p.Leu2179=; no amino-acid change (leucine 2179 retained).
Molecular consequence: synonymous variant.
Genome position (GRCh38, 1-based): chr1:237,631,523, T>G. VCF-style: chr1-237631523-T-G. GRCh37 (hg19) VCF-style: chr1-237794823-T-G.
Other names: c.6537T>G (NM_001035.2).
Identifiers: ClinVar variation 1595815 (VCV001595815.11), dbSNP rs1450139846, ClinGen allele CA423822110.
Genomic context (GRCh38, chr1:237,631,523, plus strand): 5'-TAATCTCATGAGGGCACTGGGGATGCACGAGACTGTGATGGAGGTCATGGTGAACGTCCT[T>G]GGAGGTGGAGAGTCCAAGGTAACGTCTTTGATTCCTGAGATGCTATTTAGTATCATCTCC-3'
Protein context (NP_001026.2, residues 2169-2189): ETVMEVMVNV[Leu2179=]GGGESKEITF

ClinVar aggregate classification (germline): Likely benign. Review status: criteria provided, multiple submitters, no conflicts (2 of 4 stars). 4 submissions from 4 submitters: Likely benign (4). Last evaluated 2025-07-28.

Conditions:
Catecholaminergic polymorphic ventricular tachycardia 1. Also called: VENTRICULAR TACHYCARDIA, STRESS-INDUCED POLYMORPHIC 1; VENTRICULAR TACHYCARDIA, CATECHOLAMINERGIC POLYMORPHIC, 1, WITH OR WITHOUT ATRIAL DYSFUNCTION AND/OR DILATED CARDIOMYOPATHY; RYR2-Related Catecholaminergic Polymorphic Ventricular Tachycardia. Identifiers: Orphanet 3286, MedGen C1631597, MONDO:0011484, OMIM 604772.
Cardiomyopathy (CMYO). Also called: Cardiomyopathies. Identifiers: Orphanet 167848, MedGen C0878544, MONDO:0004994, HP:0001638. Inheritance: Various modes of inheritance.
Cardiovascular phenotype. Identifiers: MedGen CN230736.
Catecholaminergic polymorphic ventricular tachycardia (CVPT). Also called: Catecholamine-induced polymorphic ventricular tachycardia. Identifiers: Orphanet 3286, MedGen C5574922, MONDO:0017990.

Allele frequency attached by ClinVar (database versions not stated): gnomAD exomes below 0.00001 and 0.00002; TOPMed below 0.00001.
gnomAD v4.1: 4 of 1,609,838 alleles (0.00025%); highest among the groups gnomAD compares: Admixed American, 0.0067%; no homozygotes.

Submissions (4):

Ambry Genetics
Classification: Likely benign for Cardiovascular phenotype. Last evaluated: 2025-07-28. Review status: criteria provided, single submitter. Criteria: Ambry Variant Classification Scheme 2023. Collection method: clinical testing. Allele origin: germline.

All of Us Research Program, National Institutes of Health
Classification: Likely benign for Catecholaminergic polymorphic ventricular tachycardia. Last evaluated: 2024-04-16. Review status: criteria provided, single submitter. Criteria: ACMG Guidelines, 2015. Collection method: clinical testing. Allele origin: germline. Inheritance: Autosomal dominant inheritance. Observed: 1 variant allele, 1 heterozygote.
Comment: This study involves interpretation of variants in research participants for the purpose of population health screening. Participant phenotype was not available at the time of variant classification. Additional details can be found in publication PMID: 35346344, PMCID: PMC8962531

Labcorp Genetics (formerly Invitae), Labcorp
Classification: Likely benign for Catecholaminergic polymorphic ventricular tachycardia 1. Last evaluated: 2023-08-07. Review status: criteria provided, single submitter. Criteria: Invitae Variant Classification Sherloc (09022015). Collection method: clinical testing. Allele origin: germline.

Color Diagnostics, LLC DBA Color Health
Classification: Likely benign for Cardiomyopathy. Last evaluated: 2022-11-06. Review status: criteria provided, single submitter. Criteria: ACMG Guidelines, 2015. Collection method: clinical testing. Allele origin: germline.